The following is an entry in ClinVar:

ClinVar aggregate classification (germline): Uncertain significance (1 of 4 stars; one submission).

Conditions:
Epidermolysis bullosa simplex 3, localized or generalized intermediate, with BP230 deficiency (EBS3). Also called: Epidermolysis bullosa simplex due to BP230 deficiency; Epidermolysis bullosa simplex, autosomal recessive 2. Identifiers: Orphanet 412181, MedGen C3809470, MONDO:0014180, OMIM 615425.
Hereditary sensory and autonomic neuropathy type 6. Also called: HSAN VI; Neuropathy, hereditary sensory and autonomic, type VI. Identifiers: Orphanet 314381, MedGen C3539003, MONDO:0013839, OMIM 614653.

gnomAD v4.1: 2 of 1,613,940 alleles (0.00012%); highest among the groups gnomAD compares: African/African-American, 0.0027%; no homozygotes.

Submission:

Labcorp Genetics (formerly Invitae), Labcorp
Classification: Uncertain significance for Epidermolysis bullosa simplex 3, localized or generalized intermediate, with BP230 deficiency; Hereditary sensory and autonomic neuropathy type 6. Last evaluated: 2018-12-10. Review status: criteria provided, single submitter. Criteria: Invitae Variant Classification Sherloc (09022015). Collection method: clinical testing. Allele origin: germline.
Comment: In summary, the available evidence is currently insufficient to determine the role of this variant in disease. Therefore, it has been classified as a Variant of Uncertain Significance. Algorithms developed to predict the effect of missense changes on protein structure and function are either unavailable or do not agree on the potential impact of this missense change (SIFT: "Tolerated"; PolyPhen-2: "Not Available"; Align-GVGD: "Class C0"). This variant has not been reported in the literature in individuals with DST-related conditions. This variant is not present in population databases (ExAC no frequency). This sequence change replaces valine with glycine at codon 2898 of the DST protein (p.Val2898Gly). The valine residue is highly conserved and there is a moderate physicochemical difference between valine and glycine. The DST gene has multiple clinically relevant transcripts. The p.Val2898Gly variant occurs in alternate transcript NM_015548.4, which corresponds to c.*63287T>G in NM_001723.5, the primary transcript listed in the Methods.

NM_001374736.1(DST):c.16562T>G (p.Val5521Gly)

Gene: DST (dystonin; minus strand). Cytogenetic location: 6p12.1.
Variant type: single nucleotide variant.
Coding change: c.16562T>G on transcript NM_001374736.1 (MANE Select); coding-DNA position 16562, T replaced by G.
Protein change: p.Val5521Gly; replaces valine 5521 with glycine.
Molecular consequence: missense variant.
Genome position (GRCh38, 1-based): chr6:56,552,230, A>C on the plus strand (T>G on the coding strand, the complement: DST is on the minus strand). VCF-style: chr6-56552230-A-C. GRCh37 (hg19) VCF-style: chr6-56417028-A-C.
Other names: c.10205T>G, p.Val3402Gly (NM_001144769.5); c.9791T>G, p.Val3264Gly (NM_001144770.2); c.16562T>G, p.Val5521Gly (NM_001374722.1); c.15929T>G, p.Val5310Gly (NM_001374729.1); c.9671T>G, p.Val3224Gly (NM_001374730.1, NM_001386100.1, NM_183380.4); c.16589T>G, p.Val5530Gly (NM_001374734.1); c.8693T>G, p.Val2898Gly (NM_015548.5); short protein forms V3402G, V3224G, V3264G, V2898G, V5310G, V5521G, V5530G.
Identifiers: ClinVar variation 662351 (VCV000662351.7), dbSNP rs746708808, ClinGen allele CA364513116.
Genomic context (GRCh38, chr6:56,552,230, plus strand): 5'-GAAGAGTTCCCTACCTTGAACATGTTAAGCTGCTGATTAATTGTCTCCGTTTCCATACCA[A>C]CAGGACCTTGTGACTCTTCATGTTCTTCGGCTTTCTGGAGCAGAATAGAAAATTCTTTCA-3'
Protein context (NP_001361665.1, residues 5511-5531): AEEHEESQGP[Val5521Gly]GMETETINQQ